The following is an entry in ClinVar:

ClinVar aggregate classification (germline): Pathogenic (1 of 4 stars; one submission).

Conditions:
Anophthalmia/microphthalmia-esophageal atresia syndrome (MCOPS3). Also called: SOX2 Disorder; MICROPHTHALMIA AND ESOPHAGEAL ATRESIA SYNDROME; AEG SYNDROME. Identifiers: Orphanet 77298, MedGen C1859773, MONDO:0008799, OMIM 206900.

Submission:

Labcorp Genetics (formerly Invitae), Labcorp
Classification: Pathogenic for Anophthalmia/microphthalmia-esophageal atresia syndrome. Last evaluated: 2024-10-11. Review status: criteria provided, single submitter. Criteria: Invitae Variant Classification Sherloc (09022015). Collection method: clinical testing. Allele origin: germline.
Comment: This sequence change creates a premature translational stop signal (p.Ser172Thrfs*3) in the SOX2 gene. While this is not anticipated to result in nonsense mediated decay, it is expected to disrupt the last 146 amino acid(s) of the SOX2 protein. This variant is not present in population databases (gnomAD no frequency). This variant has not been reported in the literature in individuals affected with SOX2-related conditions. This variant disrupts a region of the SOX2 protein in which other variant(s) (p.Pro181Argfs*22) have been determined to be pathogenic (PMID: 22171155). This suggests that this is a clinically significant region of the protein, and that variants that disrupt it are likely to be disease-causing. For these reasons, this variant has been classified as Pathogenic.

Literature cited by the submitters: PubMed 22171155.

NM_003106.4(SOX2):c.513_514dup (p.Ser172fs)

Genes: SOX2 (SRY-box transcription factor 2; plus strand), SOX2-OT (SOX2 overlapping transcript; plus strand), LOC108281177 (SOX2 5' regulatory region; plus strand). Cytogenetic location: 3q26.33.
Variant type: Duplication.
Coding change: c.513_514dup on transcript NM_003106.4 (MANE Select); coding-DNA positions 513 to 514, 2 bases duplicated (CA; older notation c.513_514dupCA).
Protein change: p.Ser172fs; shifts the reading frame from serine 172.
Molecular consequence: frameshift variant.
Genome position (GRCh38, 1-based): chr3:181,712,873-181,712,874, CA duplicated; duplicating any 2 consecutive bases within chr3:181,712,872-181,712,874 gives the same sequence; the c. name uses the placement nearest the transcript's 3' end. VCF-style (leftmost placement, unchanged base first): chr3-181712871-T-TAC. GRCh37 (hg19) VCF-style: chr3-181430659-T-TAC.
Other names: short protein forms S172fs.
Identifiers: ClinVar variation 3722712 (VCV003722712.2).